The following is an entry in ClinVar:

NM_015021.3(ZNF292):c.3371C>G (p.Pro1124Arg)

Gene: ZNF292 (zinc finger protein 292; plus strand). Cytogenetic location: 6q14.3.
Variant type: single nucleotide variant.
Coding change: c.3371C>G on transcript NM_015021.3 (MANE Select); coding-DNA position 3371, C replaced by G.
Protein change: p.Pro1124Arg; replaces proline 1124 with arginine.
Molecular consequence: missense variant.
Genome position (GRCh38, 1-based): chr6:87,257,000, C>G. VCF-style: chr6-87257000-C-G. GRCh37 (hg19) VCF-style: chr6-87966718-C-G.
Other names: c.2951C>G, p.Pro984Arg (NM_001351444.2); short protein forms P1124R, P984R.
Identifiers: ClinVar variation 4082759 (VCV004082759.2).

ClinVar aggregate classification (germline): Uncertain significance (1 of 4 stars; one submission).

Submission:

GeneDx
Classification: Uncertain significance. Last evaluated: 2026-05-05. Review status: criteria provided, single submitter. Criteria: GeneDx Variant Classification Process June 2021. Collection method: clinical testing. Allele origin: germline.
Comment: Not observed at significant frequency in large population cohorts (gnomAD); In silico analysis supports that this missense variant has a deleterious effect on protein structure/function; Has not been previously published as pathogenic or benign to our knowledge